The following is an entry in ClinVar:

ClinVar aggregate classification (germline): Benign (0 of 4 stars; one submission).

Conditions:
EPPK1-related disorder. Also called: EPPK1-related condition.

Allele frequency attached by ClinVar (database versions not stated): 1000 Genomes Project 0.50879; 1000 Genomes Project 30x 0.51483; TOPMed 0.60401; gnomAD 0.60639; ESP Exome Variant Server 0.63085; ExAC 0.64330; gnomAD exomes 0.65854.
gnomAD v4.1: 1,019,146 of 1,561,264 alleles (65%); highest among the groups gnomAD compares: Non-Finnish European, 68%; 337,645 homozygotes.

Submission:

PreventionGenetics, part of Exact Sciences
Classification: Benign for EPPK1-related condition. Last evaluated: 2021-04-12. Review status: no assertion criteria provided. Collection method: clinical testing. Allele origin: germline.
Comment: This variant is classified as benign based on ACMG/AMP sequence variant interpretation guidelines (Richards et al. 2015 PMID: 25741868, with internal and published modifications).

NM_031308.4(EPPK1):c.1170G>A (p.Leu390=)

Gene: EPPK1 (epiplakin 1; minus strand). Cytogenetic location: 8q24.3.
Variant type: single nucleotide variant.
Coding change: c.1170G>A on transcript NM_031308.4 (MANE Select); coding-DNA position 1170, G replaced by A.
Protein change: p.Leu390=; no amino-acid change (leucine 390 retained).
Molecular consequence: synonymous variant.
Genome position (GRCh38, 1-based): chr8:143,872,084, C>T on the plus strand (G>A on the coding strand, the complement: EPPK1 is on the minus strand). VCF-style: chr8-143872084-C-T. GRCh37 (hg19) VCF-style: chr8-144946252-C-T.
Identifiers: ClinVar variation 3035105 (VCV003035105.2), dbSNP rs11136330, ClinGen allele CA4923436.